The following is an entry in ClinVar:

ClinVar aggregate classification (germline): Likely benign. Review status: criteria provided, multiple submitters, no conflicts (2 of 4 stars). 3 submissions from 3 submitters: Likely benign (3). Last evaluated 2025-04-07.

Conditions:
PRPF3-related disorder. Also called: PRPF3-related condition.

Allele frequency attached by ClinVar (database versions not stated): gnomAD 0.00001; TOPMed 0.00001; gnomAD exomes 0.00004 and 0.00008; ExAC 0.00008; 1000 Genomes Project 0.00040; 1000 Genomes Project 30x 0.00047.
gnomAD v4.1: 62 of 1,614,106 alleles (0.0038%); highest among the groups gnomAD compares: South Asian, 0.038%; no homozygotes.

Submissions (3):

Labcorp Genetics (formerly Invitae), Labcorp
Classification: Likely benign. Last evaluated: 2025-04-07. Review status: criteria provided, single submitter. Criteria: Invitae Variant Classification Sherloc (09022015). Collection method: clinical testing. Allele origin: germline.

PreventionGenetics, part of Exact Sciences
Classification: Likely benign for PRPF3-related condition. Last evaluated: 2025-03-13. Review status: criteria provided, single submitter. Criteria: ACMG Guidelines, 2015. Collection method: clinical testing. Allele origin: germline.
Comment: This variant is classified as likely benign based on ACMG/AMP sequence variant interpretation guidelines (Richards et al. 2015 PMID: 25741868, with internal and published modifications).

Blueprint Genetics
Classification: Likely benign. Last evaluated: 2023-05-16. Review status: criteria provided, single submitter. Criteria: ACMG Guidelines, 2015. Collection method: clinical testing. Allele origin: germline.

NM_004698.4(PRPF3):c.792T>C (p.Thr264=)

Gene: PRPF3 (pre-mRNA processing factor 3; plus strand). Cytogenetic location: 1q21.2.
Variant type: single nucleotide variant.
Coding change: c.792T>C on transcript NM_004698.4 (MANE Select); coding-DNA position 792, T replaced by C.
Protein change: p.Thr264=; no amino-acid change (threonine 264 retained).
Molecular consequence: synonymous variant. On other transcripts: non-coding transcript variant (4).
Genome position (GRCh38, 1-based): chr1:150,334,998, T>C. VCF-style: chr1-150334998-T-C. GRCh37 (hg19) VCF-style: chr1-150307469-T-C.
Other names: c.387T>C, p.Thr129= (NM_001350529.1); c.792T>C (NM_004698.2).
Identifiers: ClinVar variation 1622283 (VCV001622283.10), dbSNP rs587699756, ClinGen allele CA1075501.
Genomic context (GRCh38, chr1:150,334,998, plus strand): 5'-GGTGGAGTTAAAAGACCAAACGAAACCTACACCACTGATCCTGGATGAGCAAGGGCGCAC[T>C]GTAGATGCAACAGGCAAGGAGATTGAGCTGACACACCGCATGCCTACTCTGAAAGCCAAT-3'
Protein context (NP_004689.1, residues 254-274): TPLILDEQGR[Thr264=]VDATGKEIEL